The following is an entry in ClinVar:

ClinVar aggregate classification (germline): Conflicting classifications of pathogenicity. Review status: criteria provided, conflicting classifications (1 of 4 stars). 2 submissions from 2 submitters: Uncertain significance (1); Likely benign (1). Last evaluated 2025-06-24.

Conditions:
Inborn genetic diseases. Identifiers: MedGen C0950123, MeSH D030342.
T-B+ severe combined immunodeficiency due to JAK3 deficiency. Also called: SCID, T CELL-NEGATIVE, B CELL-POSITIVE, NK CELL-NEGATIVE; SCID, autosomal recessive, T-negative/B-positive type. Identifiers: Orphanet 35078, MedGen C1833275, MONDO:0010938, OMIM 600802.

Submissions (2):

Ambry Genetics
Classification: Likely benign for Inborn genetic diseases. Last evaluated: 2025-06-24. Review status: criteria provided, single submitter. Criteria: Ambry Variant Classification Scheme 2023. Collection method: clinical testing. Allele origin: germline.

Labcorp Genetics (formerly Invitae), Labcorp
Classification: Uncertain significance for T-B+ severe combined immunodeficiency due to JAK3 deficiency. Last evaluated: 2022-02-21. Review status: criteria provided, single submitter. Criteria: Invitae Variant Classification Sherloc (09022015). Collection method: clinical testing. Allele origin: germline.
Comment: This sequence change replaces phenylalanine, which is neutral and non-polar, with tyrosine, which is neutral and polar, at codon 358 of the JAK3 protein (p.Phe358Tyr). This variant is not present in population databases (gnomAD no frequency). This variant has not been reported in the literature in individuals affected with JAK3-related conditions. Advanced modeling of protein sequence and biophysical properties (such as structural, functional, and spatial information, amino acid conservation, physicochemical variation, residue mobility, and thermodynamic stability) performed at Invitae indicates that this missense variant is not expected to disrupt JAK3 protein function. In summary, the available evidence is currently insufficient to determine the role of this variant in disease. Therefore, it has been classified as a Variant of Uncertain Significance.

NM_000215.4(JAK3):c.1073T>A (p.Phe358Tyr)

Gene: JAK3 (Janus kinase 3; minus strand). Cytogenetic location: 19p13.11.
Variant type: single nucleotide variant.
Coding change: c.1073T>A on transcript NM_000215.4 (MANE Select); coding-DNA position 1073, T replaced by A.
Protein change: p.Phe358Tyr; replaces phenylalanine 358 with tyrosine.
Molecular consequence: missense variant.
Genome position (GRCh38, 1-based): chr19:17,841,458, A>T on the plus strand (T>A on the coding strand, the complement: JAK3 is on the minus strand). VCF-style: chr19-17841458-A-T. GRCh37 (hg19) VCF-style: chr19-17952267-A-T.
Other names: short protein forms F358Y.
Identifiers: ClinVar variation 2096005 (VCV002096005.2), dbSNP rs200863318, ClinGen allele CA306138602.